The following is an entry in ClinVar:

NM_004341.5(CAD):c.5632G>C (p.Glu1878Gln)

Gene: CAD (carbamoyl-phosphate synthetase 2, aspartate transcarbamylase, and dihydroorotase; plus strand). Cytogenetic location: 2p23.3.
Variant type: single nucleotide variant.
Coding change: c.5632G>C on transcript NM_004341.5 (MANE Select); coding-DNA position 5632, G replaced by C.
Protein change: p.Glu1878Gln; replaces glutamic acid 1878 with glutamine.
Molecular consequence: missense variant.
Genome position (GRCh38, 1-based): chr2:27,240,949, G>C. VCF-style: chr2-27240949-G-C. GRCh37 (hg19) VCF-style: chr2-27463817-G-C.
Other names: c.5443G>C, p.Glu1815Gln (NM_001306079.2); short protein forms E1878Q, E1815Q.
Identifiers: ClinVar variation 1939471 (VCV001939471.4), dbSNP rs762262469, ClinGen allele CA346223264.
Genomic context (GRCh38, chr2:27,240,949, plus strand): 5'-TGTCCTCTTGTCCTGTTTGCAGCTGAGGAGCCAAAGGAGAAGTCCTCTCGGAAGGTAGCC[G>C]AGCCAGGTGAGACTCCACCCTGACACACACTCACCTCGGGGACCTCTGATCTGGCCTTGG-3'
Protein context (NP_004332.2, residues 1868-1888): PKEKSSRKVA[Glu1878Gln]PELMGTPDGT

ClinVar aggregate classification (germline): Uncertain significance (1 of 4 stars; one submission).

gnomAD v4.1: 5 of 1,613,902 alleles (0.00031%); highest among the groups gnomAD compares: Non-Finnish European, 0.00042%; no homozygotes.

Submission:

Labcorp Genetics (formerly Invitae), Labcorp
Classification: Uncertain significance. Last evaluated: 2024-10-22. Review status: criteria provided, single submitter. Criteria: Invitae Variant Classification Sherloc (09022015). Collection method: clinical testing. Allele origin: germline.
Comment: This sequence change replaces glutamic acid, which is acidic and polar, with glutamine, which is neutral and polar, at codon 1878 of the CAD protein (p.Glu1878Gln). This variant is not present in population databases (gnomAD no frequency). This variant has not been reported in the literature in individuals affected with CAD-related conditions. ClinVar contains an entry for this variant (Variation ID: 1939471). An algorithm developed to predict the effect of missense changes on protein structure and function (PolyPhen-2) suggests that this variant is likely to be tolerated. In summary, the available evidence is currently insufficient to determine the role of this variant in disease. Therefore, it has been classified as a Variant of Uncertain Significance.